The following continues an entry in ClinVar:

NM_000275.3(OCA2):c.2228C>T (p.Pro743Leu)

Gene: OCA2. ClinVar aggregate classification (germline): Pathogenic/Likely pathogenic. Pathogenic (17); Likely pathogenic (1).

Submissions 13 to 20 of 20:

Revvity Omics, Revvity
Classification: Likely pathogenic. Last evaluated: 2019-05-08. Review status: criteria provided, single submitter. Criteria: ACMG Guidelines, 2015. Collection method: clinical testing. Allele origin: germline.

Laboratory for Molecular Medicine, Mass General Brigham Personalized Medicine
Classification: Pathogenic for Tyrosinase-positive oculocutaneous albinism. Last evaluated: 2018-07-18. Review status: criteria provided, single submitter. Criteria: LMM Criteria. Collection method: clinical testing. Allele origin: germline. Inheritance: Autosomal recessive inheritance. Observed: 1 variant allele.
Comment: The p.Pro743Leu variant in Oculocutaneous albinism type 2 (OCA type 2) has been reported in the homozygous or compound heterozygous state in >7 individuals with oculocutaneous albinism (OCA) type 2 and segregated with disease in 9 affected relatives from 2 families (Lee 1994, Hutton 2008, Sengupta 2010, Jaworek 2012, S hahzad 2017). This variant has also been reported in ClinVar (Variation ID# 956) . This variant has been identified in 0.04% (9/24018) of African chromosomes by the Genome Aggregation Database (gnomAD; dbSNP rs121918167). This frequency is consistent with the carrier frequency for Oculo cutaneous albinism type 2. Computational prediction tools and conservation analy sis suggest that this variant may impact the protein. In summary, this variant m eets criteria to be classified as pathogenic for Oculocutaneous albinism type 2 in an autosomal recessive manner based upon multiple occurrences with pathogenic OCA2 variants in individuals with Oculocutaneous albinism and segregation with disease in multiple families. ACMG/AMP Criteria applied: PM3_VeryStrong; PM2; PP 1_Moderate; PP3.

Genetic Services Laboratory, University of Chicago
Classification: Pathogenic. Last evaluated: 2018-05-15. Review status: criteria provided, single submitter. Criteria: ACMG Guidelines, 2015. Collection method: clinical testing. Allele origin: germline. Affected: yes.

Eurofins Ntd Llc (ga)
Classification: Pathogenic. Last evaluated: 2015-02-12. Review status: criteria provided, single submitter. Criteria: EGL Classification Definitions 2015. Collection method: clinical testing. Allele origin: germline. Observed: 2 variant alleles, 2 heterozygotes.

Juno Genomics, Hangzhou Juno Genomics, Inc
Classification: Pathogenic for Tyrosinase-positive oculocutaneous albinism. Review status: criteria provided, single submitter. Criteria: ACMG Guidelines, 2015. Collection method: clinical testing. Allele origin: germline.
Comment: Absent from controls (or at extremely low frequency if recessive) in Genome Aggregation Database.;Multiple lines of computational evidence support a deleterious effect on the gene or gene product.;For recessive disorders, detected in trans with a pathogenic variant.;Patient's phenotype or family history is highly specific for a disease with a single genetic etiology.

Neuberg Centre For Genomic Medicine, NCGM
Classification: Pathogenic for Tyrosinase-positive oculocutaneous albinism. Review status: criteria provided, single submitter. Criteria: ACMG Guidelines, 2015. Collection method: clinical testing. Allele origin: germline. Inheritance: Autosomal recessive inheritance. Affected: yes.
Comment: The missense variant c.2228C>T(p.Pro743Leu) has been reported in homozygous or compound heterozygous state in >7 individuals with oculocutaneous albinism (OCA) type 2 and segregated with disease in 9 affected relatives from 2 families (Sengupta et al. 2010, Shahzad et al. 2017). This variant has been reported to the ClinVar database with conflicting interpretations of pathogenicity as Pathogenic/Likely Pathogenic. The p.Pro743Leu variant is novel (not in any individuals) in 1000 Genomes. The amino acid Pro at position 743 is changed to a Leu changing protein sequence and it might alter its composition and physico-chemical properties. The variant is predicted to be damaging by both SIFT and PolyPhen2. The residue is conserved across species. The amino acid change p.Pro743Leu in OCA2 is predicted as conserved by GERP++ and PhyloP across 100 vertebrates. For these reasons, this variant has been classified as Pathogenic.

University of Washington Center for Mendelian Genomics, University of Washington
Classification: Likely pathogenic for Nonsyndromic Oculocutaneous Albinism. Last evaluated: 2017-03-07. Review status: no assertion criteria provided. Collection method: research. Allele origin: unknown. Affected: yes. Observed: 1 homozygote. Not counted in ClinVar's aggregate classification.

OMIM
Classification: Pathogenic for ALBINISM, OCULOCUTANEOUS, TYPE II. Last evaluated: 1994-02-24. Review status: no assertion criteria provided. Collection method: literature only. Allele origin: germline. Not counted in ClinVar's aggregate classification.

Literature cited by the submitters: PubMed 8302318 (cited by 7 submitters); PubMed 28266639 (cited by 3 submitters); PubMed 31077556 (cited by 4 submitters); PubMed 24845642 (cited by 3billion and Victorian Clinical Genetics Services, Murdoch Childrens Research Institute); PubMed 18821858 (cited by 3billion); PubMed 12876664 (cited by 3 submitters); PubMed 18463683 (cited by 4 submitters); PubMed 22734612 (cited by 3 submitters); PubMed 28451379 (cited by Otogenetics); PubMed 34707637 (cited by Women's Health and Genetics/Laboratory Corporation of America, LabCorp); PubMed 9345414 (cited by Women's Health and Genetics/Laboratory Corporation of America, LabCorp); PubMed 7874125 (cited by Victorian Clinical Genetics Services, Murdoch Childrens Research Institute); PubMed 20426782 (cited by Victorian Clinical Genetics Services, Murdoch Childrens Research Institute and Laboratory for Molecular Medicine, Mass General Brigham Personalized Medicine); PubMed 24118800 (cited by Victorian Clinical Genetics Services, Murdoch Childrens Research Institute); PubMed 24518832 (cited by Victorian Clinical Genetics Services, Murdoch Childrens Research Institute); PubMed 27734839 (cited by Victorian Clinical Genetics Services, Murdoch Childrens Research Institute); PubMed 31229681 (cited by Victorian Clinical Genetics Services, Murdoch Childrens Research Institute); PubMed 10649493 (cited by Laboratory for Molecular Medicine, Mass General Brigham Personalized Medicine).